The following is an entry in ClinVar:

ClinVar aggregate classification (germline): Uncertain significance. Review status: criteria provided, multiple submitters, no conflicts (2 of 4 stars). 3 submissions from 3 submitters: Uncertain significance (2). 1 of the submissions does not count toward it. Last evaluated 2022-10-04.

Conditions:
Usher syndrome type 1 (USH1). Also called: RETINITIS PIGMENTOSA AND CONGENITAL DEAFNESS. Identifiers: Orphanet 231169, Orphanet 886, MedGen C1568247, MONDO:0010168, OMIM 276900.

Allele frequency attached by ClinVar (database versions not stated): ExAC 0.00001; gnomAD exomes 0.00001; gnomAD 0.00002; TOPMed 0.00004.
gnomAD v4.1: 16 of 1,612,210 alleles (0.00099%); highest among the groups gnomAD compares: African/African-American, 0.0027%; no homozygotes.

Submissions (3):

Labcorp Genetics (formerly Invitae), Labcorp
Classification: Uncertain significance. Last evaluated: 2022-10-04. Review status: criteria provided, single submitter. Criteria: Invitae Variant Classification Sherloc (09022015). Collection method: clinical testing. Allele origin: germline.
Comment: This sequence change replaces aspartic acid, which is acidic and polar, with asparagine, which is neutral and polar, at codon 3280 of the CDH23 protein (p.Asp3280Asn). This variant is present in population databases (rs555161519, gnomAD 0.003%). This variant has not been reported in the literature in individuals affected with CDH23-related conditions. ClinVar contains an entry for this variant (Variation ID: 1025744). Advanced modeling of protein sequence and biophysical properties (such as structural, functional, and spatial information, amino acid conservation, physicochemical variation, residue mobility, and thermodynamic stability) performed at Invitae indicates that this missense variant is not expected to disrupt CDH23 protein function. In summary, the available evidence is currently insufficient to determine the role of this variant in disease. Therefore, it has been classified as a Variant of Uncertain Significance.

Blueprint Genetics
Classification: Uncertain significance. Last evaluated: 2021-03-31. Review status: criteria provided, single submitter. Criteria: ACMG Guidelines, 2015. Collection method: clinical testing. Allele origin: germline.

Natera, Inc.
Classification: Uncertain significance for Usher syndrome type 1. Last evaluated: 2021-02-02. Review status: no assertion criteria provided. Collection method: clinical testing. Allele origin: germline. Not counted in ClinVar's aggregate classification.

NM_022124.6(CDH23):c.9838G>A (p.Asp3280Asn)

Gene: CDH23 (cadherin related 23; plus strand). Cytogenetic location: 10q22.1.
Variant type: single nucleotide variant.
Coding change: c.9838G>A on transcript NM_022124.6 (MANE Select); coding-DNA position 9838, G replaced by A.
Protein change: p.Asp3280Asn; replaces aspartic acid 3280 with asparagine.
Molecular consequence: missense variant.
Genome position (GRCh38, 1-based): chr10:71,815,051, G>A. VCF-style: chr10-71815051-G-A. GRCh37 (hg19) VCF-style: chr10-73574808-G-A.
Other names: c.3118G>A, p.Asp1040Asn (NM_001171933.1); c.3013G>A, p.Asp1005Asn (NM_001171934.1); c.529G>A, p.Asp177Asn (NM_001171935.1); c.424G>A, p.Asp142Asn (NM_001171936.1); short protein forms D1005N, D1040N, D142N, D177N, D3280N.
Identifiers: ClinVar variation 1025744 (VCV001025744.4), dbSNP rs555161519, ClinGen allele CA5547185.
Genomic context (GRCh38, chr10:71,815,051, plus strand): 5'-AGCCCAGGGCAGGGTAGCCTGCGCTTCCGCCACAAGCCACCAGTGGAGCTCAAGGGGCCC[G>A]ATGGGATCCATGTGGTGCACGGCAGCACGGGCACGCTGCTGGCCACCGACCTCAACAGCC-3'
Protein context (NP_071407.4, residues 3270-3290): HKPPVELKGP[Asp3280Asn]GIHVVHGSTG